The following is an entry in ClinVar:

ClinVar aggregate classification (germline): Benign. Review status: criteria provided, multiple submitters, no conflicts (2 of 4 stars). 23 submissions from 22 submitters: Benign (17). 6 of the submissions do not count toward it. Last evaluated 2026-02-04.

Conditions:
Cardiovascular phenotype. Identifiers: MedGen CN230736.
Emery-Dreifuss muscular dystrophy 7, autosomal dominant (EDMD7). Also called: Emery-Dreifuss muscular dystrophy 7, AD. Identifiers: Orphanet 261, MedGen C3553060, MONDO:0013677, OMIM 614302.
Cardiomyopathy (CMYO). Also called: Cardiomyopathies. Identifiers: Orphanet 167848, MedGen C0878544, MONDO:0004994, HP:0001638. Inheritance: Various modes of inheritance.
Arrhythmogenic right ventricular dysplasia 5. Also called: Arrhythmogenic Right Ventricular Dysplasia/Cardiomyopathy 5; ARRHYTHMOGENIC RIGHT VENTRICULAR DYSPLASIA, FAMILIAL, 5. Identifiers: MedGen C1858379, MONDO:0011459, OMIM 604400.

Allele frequency attached by ClinVar (database versions not stated): gnomAD 0.35760 and 0.35127; ExAC 0.37237; gnomAD exomes 0.37892 and 0.32566; 1000 Genomes Project 0.46326; TOPMed 0.37333; 1000 Genomes Project 30x 0.46346; ESP Exome Variant Server 0.33277.

Submissions (23):

Labcorp Genetics (formerly Invitae), Labcorp
Classification: Benign for Arrhythmogenic right ventricular dysplasia 5. Last evaluated: 2026-02-04. Review status: criteria provided, single submitter. Criteria: Invitae Variant Classification Sherloc (09022015). Collection method: clinical testing. Allele origin: germline.

Molecular Diagnostic Laboratory for Inherited Cardiovascular Disease, Montreal Heart Institute
Classification: Benign. Last evaluated: 2025-04-09. Review status: criteria provided, single submitter. Criteria: ACMG Guidelines, 2015. Collection method: clinical testing. Allele origin: germline. Affected: no.

Blueprint Genetics
Classification: Benign. Last evaluated: 2024-11-26. Review status: criteria provided, single submitter. Criteria: ACMG Guidelines, 2015. Collection method: clinical testing. Allele origin: germline.

All of Us Research Program, National Institutes of Health
Classification: Benign for Arrhythmogenic right ventricular dysplasia 5. Last evaluated: 2024-10-02. Review status: criteria provided, single submitter. Criteria: ACMG Guidelines, 2015. Collection method: clinical testing. Allele origin: germline. Inheritance: Autosomal dominant inheritance. Observed: 78,719 variant alleles, 61,278 heterozygotes, 17,432 homozygotes, 9 hemizygotes.
Comment: This study involves interpretation of variants in research participants for the purpose of population health screening. Participant phenotype was not available at the time of variant classification. Additional details can be found in publication PMID: 35346344, PMCID: PMC8962531

Genome-Nilou Lab
Classification: Benign for Arrhythmogenic right ventricular dysplasia 5. Last evaluated: 2021-09-10. Review status: criteria provided, single submitter. Criteria: ACMG Guidelines, 2015. Collection method: clinical testing. Allele origin: germline. Affected: no.

Genome-Nilou Lab
Classification: Benign for Emery-Dreifuss muscular dystrophy 7, autosomal dominant. Last evaluated: 2021-09-10. Review status: criteria provided, single submitter. Criteria: ACMG Guidelines, 2015. Collection method: clinical testing. Allele origin: germline. Affected: no.

Mendelics
Classification: Benign for Arrhythmogenic right ventricular dysplasia 5. Last evaluated: 2019-05-28. Review status: criteria provided, single submitter. Criteria: Mendelics Assertion Criteria 2017. Collection method: clinical testing. Allele origin: unknown.

Color Diagnostics, LLC DBA Color Health
Classification: Benign for Cardiomyopathy. Last evaluated: 2018-03-15. Review status: criteria provided, single submitter. Criteria: ACMG Guidelines, 2015. Collection method: clinical testing. Allele origin: germline.

Mayo Clinic Laboratories, Mayo Clinic
Classification: Benign. Last evaluated: 2017-07-21. Review status: criteria provided, single submitter. Criteria: ACMG Guidelines, 2015. Collection method: clinical testing. Allele origin: germline. Observed: 1,112 variant alleles.

Ambry Genetics
Classification: Benign for Cardiovascular phenotype. Last evaluated: 2015-10-20. Review status: criteria provided, single submitter. Criteria: Ambry Variant Classification Scheme 2023. Collection method: clinical testing. Allele origin: germline.

Genetic Services Laboratory, University of Chicago
Classification: Benign for AllHighlyPenetrant. Last evaluated: 2013-08-15. Review status: criteria provided, single submitter. Criteria: ACMG Guidelines, 2007. Collection method: clinical testing. Allele origin: germline. Inheritance: Autosomal dominant inheritance.

Biesecker Lab/Clinical Genomics Section, National Institutes of Health
Classification: Benign. Last evaluated: 2013-06-24. Review status: criteria provided, single submitter. Criteria: Ng et al. (Circ Cardiovasc Genet. 2013). Collection method: research. Allele origin: unknown. Observed: 447 variant alleles. Study: ClinSeq.
Comment: The study set was not selected for affection status in relation to any cancer. Pathogenicity categories were based on literature curation. See Pubmed ID:23861362 for details.

Medical sequencing

Eurofins Ntd Llc (ga)
Classification: Benign. Last evaluated: 2013-03-12. Review status: criteria provided, single submitter. Criteria: EGL Classification Definitions 2015. Collection method: clinical testing. Allele origin: germline. Observed: 3 variant alleles, 3 heterozygotes.

Laboratory for Molecular Medicine, Mass General Brigham Personalized Medicine
Classification: Benign. Last evaluated: 2012-04-16. Review status: criteria provided, single submitter. Criteria: LMM Criteria. Collection method: clinical testing. Allele origin: germline. Observed: 1,071 variant alleles.
Comment: Met179Thr in exon 7 of TMEM43: This variant is not expected to have clinical sig nificance because it has been identified in 29.7% (2082/47020) of European Ameri can chromosomes from a broad population by the NHLBI Exome Sequencing Project (dbSNP rs2340917).

GeneDx
Classification: Benign. Last evaluated: 2011-08-08. Review status: criteria provided, single submitter. Criteria: GeneDx Variant Classification (06012015). Collection method: clinical testing. Allele origin: germline. Affected: yes.
Comment: This variant is considered likely benign or benign based on one or more of the following criteria: it is a conservative change, it occurs at a poorly conserved position in the protein, it is predicted to be benign by multiple in silico algorithms, and/or has population frequency not consistent with disease.

Breakthrough Genomics
Classification: Benign. Review status: criteria provided, single submitter. Criteria: ACMG Guidelines, 2015. Collection method: not provided. Allele origin: germline. Inheritance: Autosomal dominant inheritance. Affected: yes.

PreventionGenetics, part of Exact Sciences
Classification: Benign. Review status: criteria provided, single submitter. Criteria: ACMG Guidelines, 2015. Collection method: clinical testing. Allele origin: germline.

Cohesion Phenomics
Classification: Benign for Cardiomyopathy. Last evaluated: 2022-09-23. Review status: no assertion criteria provided. Criteria: ACMG Guidelines, 2015. Collection method: clinical testing. Allele origin: germline. Affected: yes. Not counted in ClinVar's aggregate classification.

Clinical Genetics DNA and cytogenetics Diagnostics Lab, Erasmus MC, Erasmus Medical Center
Classification: Benign. Review status: no assertion criteria provided. Collection method: clinical testing. Allele origin: germline. Affected: yes. Study: VKGL Data-share Consensus. Not counted in ClinVar's aggregate classification.

Clinical Genetics, Academic Medical Center
Classification: Benign. Review status: no assertion criteria provided. Collection method: clinical testing. Allele origin: germline. Affected: yes. Study: VKGL Data-share Consensus. Not counted in ClinVar's aggregate classification.

Diagnostic Laboratory, Department of Genetics, University Medical Center Groningen
Classification: Benign. Review status: no assertion criteria provided. Collection method: clinical testing. Allele origin: germline. Affected: yes. Study: VKGL Data-share Consensus. Not counted in ClinVar's aggregate classification.

Genome Diagnostics Laboratory, University Medical Center Utrecht
Classification: Benign. Review status: no assertion criteria provided. Collection method: clinical testing. Allele origin: germline. Affected: yes. Study: VKGL Data-share Consensus. Not counted in ClinVar's aggregate classification.

Joint Genome Diagnostic Labs from Nijmegen and Maastricht, Radboudumc and MUMC+
Classification: Benign. Review status: no assertion criteria provided. Collection method: clinical testing. Allele origin: germline. Affected: yes. Study: VKGL Data-share Consensus. Not counted in ClinVar's aggregate classification.

Literature cited by the submitters: PubMed 18313022 (cited by Laboratory for Molecular Medicine, Mass General Brigham Personalized Medicine).

NM_024334.3(TMEM43):c.536T>C (p.Met179Thr)

Gene: TMEM43 (transmembrane protein 43; plus strand). Cytogenetic location: 3p25.1.
Variant type: single nucleotide variant.
Coding change: c.536T>C on transcript NM_024334.3 (MANE Select); coding-DNA position 536, T replaced by C.
Protein change: p.Met179Thr; replaces methionine 179 with threonine.
Molecular consequence: missense variant.
Genome position (GRCh38, 1-based): chr3:14,133,762, T>C. VCF-style: chr3-14133762-T-C. GRCh37 (hg19) VCF-style: chr3-14175262-T-C.
Other names: p.M179T:ATG>ACG; short protein forms M179T.
Identifiers: ClinVar variation 46150 (VCV000046150.46), dbSNP rs2340917, ClinGen allele CA024717.
Genomic context (GRCh38, chr3:14,133,762, plus strand): 5'-CCGGTGCCCATCTCTGACAGCTTCCTCTCTCCCACAGTGCCATGGCAGTGGAGTCATTCA[T>C]GGCAACAGCCCCCTTTGTCCAAATTGGCAGGTTTTTCCTCTCGTCAGGTAAGTCTCAGGC-3'
Protein context (NP_077310.1, residues 169-189): NPSAMAVESF[Met179Thr]ATAPFVQIGR